The following is an entry in ClinVar:

NM_001048174.2(MUTYH):c.103T>G (p.Ser35Ala)

Gene: MUTYH (mutY DNA glycosylase; minus strand). Cytogenetic location: 1p34.1.
Variant type: single nucleotide variant.
Coding change: c.103T>G on transcript NM_001048174.2 (MANE Select); coding-DNA position 103, T replaced by G.
Protein change: p.Ser35Ala; replaces serine 35 with alanine.
Molecular consequence: missense variant. On other transcripts: 5 prime UTR variant (7), non-coding transcript variant (7).
Genome position (GRCh38, 1-based): chr1:45,334,403, A>C on the plus strand (T>G on the coding strand, the complement: MUTYH is on the minus strand). VCF-style: chr1-45334403-A-C. GRCh37 (hg19) VCF-style: chr1-45800075-A-C.
Other names: c.145T>G, p.Ser49Ala (NM_001293190.2, NM_001407069.1, NM_001407073.1 and 2 more transcripts); c.103T>G, p.Ser35Ala (NM_001293191.2, NM_001293195.2, NM_001407070.1 and 15 more transcripts); c.-110T>G (NM_001293192.2, NM_001293196.2, NM_001407091.1); c.-169T>G (NM_001350650.2); c.-105T>G (NM_001350651.2, NM_001407082.1); c.-54T>G (NM_001407075.1); c.121T>G, p.Ser41Ala (NM_001407087.1); short protein forms S49A, S35A, S41A.
Identifiers: ClinVar variation 4113264 (VCV004113264.1).

ClinVar aggregate classification (germline): Uncertain significance (1 of 4 stars; one submission).

Conditions:
Hereditary cancer-predisposing syndrome. Also called: Tumor predisposition; Neoplastic Syndromes, Hereditary; Hereditary neoplastic syndrome; Hereditary Cancer Syndrome. Identifiers: Orphanet 140162, MedGen C0027672, MeSH D009386, MONDO:0015356.

Submission:

Ambry Genetics
Classification: Uncertain significance for Hereditary cancer-predisposing syndrome. Last evaluated: 2025-08-27. Review status: criteria provided, single submitter. Criteria: Ambry Variant Classification Scheme 2023. Collection method: clinical testing. Allele origin: germline.
Comment: The p.S49A variant (also known as c.145T>G), located in coding exon 2 of the MUTYH gene, results from a T to G substitution at nucleotide position 145. The serine at codon 49 is replaced by alanine, an amino acid with similar properties. This amino acid position is conserved. In addition, this alteration is predicted to be tolerated by in silico analysis. Based on the available evidence, the clinical significance of this variant remains unclear.